The following is an entry in ClinVar:

ClinVar aggregate classification (germline): Uncertain significance (1 of 4 stars; one submission).

Allele frequency attached by ClinVar (database versions not stated): TOPMed below 0.00001.
gnomAD v4.1: 1 of 1,601,436 alleles (0.000062%); highest among the groups gnomAD compares: East Asian, 0.0023%; no homozygotes.

Submission:

Labcorp Genetics (formerly Invitae), Labcorp
Classification: Uncertain significance. Last evaluated: 2024-10-25. Review status: criteria provided, single submitter. Criteria: Invitae Variant Classification Sherloc (09022015). Collection method: clinical testing. Allele origin: germline.
Comment: This sequence change replaces alanine, which is neutral and non-polar, with valine, which is neutral and non-polar, at codon 21 of the KIF22 protein (p.Ala21Val). The frequency data for this variant in the population databases is considered unreliable, as metrics indicate poor data quality at this position in the gnomAD database. This variant has not been reported in the literature in individuals affected with KIF22-related conditions. ClinVar contains an entry for this variant (Variation ID: 1407282). An algorithm developed to predict the effect of missense changes on protein structure and function (PolyPhen-2) suggests that this variant is likely to be tolerated. In summary, the available evidence is currently insufficient to determine the role of this variant in disease. Therefore, it has been classified as a Variant of Uncertain Significance.

NM_007317.3(KIF22):c.62C>T (p.Ala21Val)

Gene: KIF22 (kinesin family member 22; plus strand). Cytogenetic location: 16p11.2.
Variant type: single nucleotide variant.
Coding change: c.62C>T on transcript NM_007317.3 (MANE Select); coding-DNA position 62, C replaced by T.
Protein change: p.Ala21Val; replaces alanine 21 with valine.
Molecular consequence: missense variant. On other transcripts: 5 prime UTR variant (1).
Genome position (GRCh38, 1-based): chr16:29,790,821, C>T. VCF-style: chr16-29790821-C-T. GRCh37 (hg19) VCF-style: chr16-29802142-C-T.
Other names: c.-192C>T (NM_001256269.2); short protein forms A21V.
Identifiers: ClinVar variation 1407282 (VCV001407282.8), dbSNP rs1441311190, ClinGen allele CA395448913.